The following is an entry in ClinVar:

ClinVar aggregate classification (germline): Uncertain significance. Review status: criteria provided, multiple submitters, no conflicts (2 of 4 stars). 2 submissions from 2 submitters: Uncertain significance (2). Last evaluated 2025-01-16.

Conditions:
Inborn genetic diseases. Identifiers: MedGen C0950123, MeSH D030342.

gnomAD v4.1: 5 of 1,606,480 alleles (0.00031%); highest among the groups gnomAD compares: African/African-American, 0.0013%; no homozygotes.

Submissions (2):

Ambry Genetics
Classification: Uncertain significance for Inborn genetic diseases. Last evaluated: 2025-01-16. Review status: criteria provided, single submitter. Criteria: Ambry Variant Classification Scheme 2023. Collection method: clinical testing. Allele origin: germline.

Women's Health and Genetics/Laboratory Corporation of America, LabCorp
Classification: Uncertain significance. Last evaluated: 2024-11-01. Review status: criteria provided, single submitter. Criteria: LabCorp Variant Classification Summary - May 2015. Collection method: clinical testing. Allele origin: germline.
Comment: Variant summary: HSD17B4 c.710T>C (p.Phe237Ser) results in a non-conservative amino acid change in the encoded protein sequence. Five of five in-silico tools predict a damaging effect of the variant on protein function. The variant allele was found at a frequency of 4e-06 in 251152 control chromosomes (gnomAD). The available data on variant occurrences in the general population are insufficient to allow any conclusion about variant significance. c.710T>C has been reported in the literature in an individual affected with D-Bifunctional Protein Deficiency who was compound heterozygous with a pathogenic variant (Ferdinandusse_2006). These data do not allow any conclusion about variant significance. To our knowledge, no experimental evidence demonstrating an impact on protein function has been reported. The following publication has been ascertained in the context of this evaluation (PMID: 16385454). No submitters have cited clinical-significance assessments for this variant to ClinVar. Based on the evidence outlined above, the variant was classified as uncertain significance.

Literature cited by the submitters: PubMed 16385454 (cited by Ambry Genetics and Women's Health and Genetics/Laboratory Corporation of America, LabCorp).

NM_000414.4(HSD17B4):c.710T>C (p.Phe237Ser)

Gene: HSD17B4 (hydroxysteroid 17-beta dehydrogenase 4; plus strand). Cytogenetic location: 5q23.1.
Variant type: single nucleotide variant.
Coding change: c.710T>C on transcript NM_000414.4 (MANE Select); coding-DNA position 710, T replaced by C.
Protein change: p.Phe237Ser; replaces phenylalanine 237 with serine.
Molecular consequence: missense variant. On other transcripts: non-coding transcript variant (2).
Genome position (GRCh38, 1-based): chr5:119,489,279, T>C. VCF-style: chr5-119489279-T-C. GRCh37 (hg19) VCF-style: chr5-118824974-T-C.
Other names: c.785T>C, p.Phe262Ser (NM_001199291.3); c.656T>C, p.Phe219Ser (NM_001199292.2); c.638T>C, p.Phe213Ser (NM_001292027.2); c.290T>C, p.Phe97Ser (NM_001292028.2); c.701T>C, p.Phe234Ser (NM_001374497.1); c.710T>C, p.Phe237Ser (NM_001374498.1); c.383T>C, p.Phe128Ser (NM_001374499.1); c.269T>C, p.Phe90Ser (NM_001374500.1); and 2 more; short protein forms F100S, F128S, F213S, F219S, F234S, F237S, F262S, F90S.
Identifiers: ClinVar variation 3629874 (VCV003629874.2).